The following is an entry in ClinVar:

ClinVar aggregate classification (germline): Uncertain significance. Review status: criteria provided, multiple submitters, no conflicts (2 of 4 stars). 2 submissions from 2 submitters: Uncertain significance (2). Last evaluated 2024-04-27.

Conditions:
Duane-radial ray syndrome (DRRS). Also called: ACRORENOOCULAR SYNDROME; DR SYNDROME; DUANE ANOMALY WITH RADIAL RAY ABNORMALITIES AND DEAFNESS; Duane-Radial Ray Syndrome/Okihiro Syndrome; Duane-Radial Ray Syndrome (DRRS) / Okihiro Syndrome; Okihiro Syndrome. Identifiers: Orphanet 93293, Orphanet 959, MedGen C1623209, MONDO:0011812, OMIM 607323. Disease mechanism: gain of function.
Oculootoradial syndrome (IVIC). Also called: RADIAL RAY DEFECTS, HEARING IMPAIRMENT, EXTERNAL OPHTHALMOPLEGIA, AND THROMBOCYTOPENIA; IVIC syndrome. Identifiers: Orphanet 2307, MedGen C1327918, MONDO:0007836, OMIM 147750.

gnomAD v4.1: 2 of 1,614,162 alleles (0.00012%); highest among the groups gnomAD compares: Non-Finnish European, 0.00017%; no homozygotes.

Submissions (2):

Fulgent Genetics
Classification: Uncertain significance for Oculootoradial syndrome; Duane-radial ray syndrome. Last evaluated: 2024-04-27. Review status: criteria provided, single submitter. Criteria: ACMG Guidelines, 2015. Collection method: clinical testing. Allele origin: germline.

Labcorp Genetics (formerly Invitae), Labcorp
Classification: Uncertain significance for Duane-radial ray syndrome. Last evaluated: 2022-07-02. Review status: criteria provided, single submitter. Criteria: Invitae Variant Classification Sherloc (09022015). Collection method: clinical testing. Allele origin: germline.
Comment: In summary, the available evidence is currently insufficient to determine the role of this variant in disease. Therefore, it has been classified as a Variant of Uncertain Significance. Algorithms developed to predict the effect of missense changes on protein structure and function output the following: SIFT: "Tolerated"; PolyPhen-2: "Benign"; Align-GVGD: "Class C0". The glutamic acid amino acid residue is found in multiple mammalian species, which suggests that this missense change does not adversely affect protein function. This variant has not been reported in the literature in individuals affected with SALL4-related conditions. This variant is present in population databases (rs758458189, gnomAD 0.0009%). This sequence change replaces alanine, which is neutral and non-polar, with glutamic acid, which is acidic and polar, at codon 377 of the SALL4 protein (p.Ala377Glu).

NM_020436.5(SALL4):c.1130C>A (p.Ala377Glu)

Gene: SALL4 (spalt like transcription factor 4; minus strand). Cytogenetic location: 20q13.2.
Variant type: single nucleotide variant.
Coding change: c.1130C>A on transcript NM_020436.5 (MANE Select); coding-DNA position 1130, C replaced by A.
Protein change: p.Ala377Glu; replaces alanine 377 with glutamic acid.
Molecular consequence: missense variant.
Genome position (GRCh38, 1-based): chr20:51,791,353, G>T on the plus strand (C>A on the coding strand, the complement: SALL4 is on the minus strand). VCF-style: chr20-51791353-G-T. GRCh37 (hg19) VCF-style: chr20-50407892-G-T.
Other names: c.1130C>A, p.Ala377Glu (NM_001318031.2); short protein forms A377E.
Identifiers: ClinVar variation 2019019 (VCV002019019.5), dbSNP rs758458189, ClinGen allele CA9912338.